The following is an entry in ClinVar:

ClinVar aggregate classification (germline): Uncertain significance (1 of 4 stars; one submission).

Conditions:
Mitochondrial hypertrophic cardiomyopathy with lactic acidosis due to MTO1 deficiency. Also called: Combined oxidative phosphorylation deficiency 10; CARDIOMYOPATHY, INFANTILE HYPERTROPHIC MITOCHONDRIAL, AND LACTIC ACIDOSIS. Identifiers: Orphanet 314637, MedGen C4749921, MONDO:0013865, OMIM 614702.

Submission:

Labcorp Genetics (formerly Invitae), Labcorp
Classification: Uncertain significance for Mitochondrial hypertrophic cardiomyopathy with lactic acidosis due to MTO1 deficiency. Last evaluated: 2026-01-14. Review status: criteria provided, single submitter. Criteria: Invitae Variant Classification Sherloc (09022015). Collection method: clinical testing. Allele origin: germline.
Comment: This sequence change replaces glutamic acid, which is acidic and polar, with lysine, which is basic and polar, at codon 577 of the MTO1 protein (p.Glu577Lys). This variant is not present in population databases (gnomAD no frequency). This variant has not been reported in the literature in individuals affected with MTO1-related conditions. Invitae Evidence Modeling of protein sequence and biophysical properties (such as structural, functional, and spatial information, amino acid conservation, physicochemical variation, residue mobility, and thermodynamic stability) indicates that this missense variant is not expected to disrupt MTO1 protein function with a negative predictive value of 95%. In summary, the available evidence is currently insufficient to determine the role of this variant in disease. Therefore, it has been classified as a Variant of Uncertain Significance.

NM_012123.4(MTO1):c.1729G>A (p.Glu577Lys)

Gene: MTO1 (mitochondrial tRNA translation optimization 1; plus strand). Cytogenetic location: 6q13.
Variant type: single nucleotide variant.
Coding change: c.1729G>A on transcript NM_012123.4 (MANE Select); coding-DNA position 1729, G replaced by A.
Protein change: p.Glu577Lys; replaces glutamic acid 577 with lysine.
Molecular consequence: missense variant.
Genome position (GRCh38, 1-based): chr6:73,492,325, G>A. VCF-style: chr6-73492325-G-A. GRCh37 (hg19) VCF-style: chr6-74202048-G-A.
Other names: c.1849G>A, p.Glu617Lys (NM_001123226.2); c.1804G>A, p.Glu602Lys (NM_133645.3); short protein forms E577K, E602K, E617K.
Identifiers: ClinVar variation 4738581 (VCV004738581.1).